The following is an entry in ClinVar:

ClinVar aggregate classification (germline): Likely benign (1 of 4 stars; one submission).

Allele frequency attached by ClinVar (database versions not stated): gnomAD exomes below 0.00001; gnomAD 0.00002; TOPMed 0.00002; 1000 Genomes Project 30x 0.00016; 1000 Genomes Project 0.00020.
gnomAD v4.1: 7 of 1,562,668 alleles (0.00045%); highest among the groups gnomAD compares: East Asian, 0.017%; no homozygotes.

Submission:

CeGaT Center for Human Genetics Tuebingen
Classification: Likely benign. Last evaluated: 2023-03-01. Review status: criteria provided, single submitter. Criteria: CeGaT Center For Human Genetics Tuebingen Variant Classification Criteria Version 2. Collection method: clinical testing. Allele origin: germline. Affected: yes. Observed: 1 variant allele.
Comment: MAST4: BP4, BP7

NM_001164664.2(MAST4):c.7110A>G (p.Glu2370=)

Gene: MAST4 (microtubule associated serine/threonine kinase family member 4; plus strand). Cytogenetic location: 5q12.3.
Variant type: single nucleotide variant.
Coding change: c.7110A>G on transcript NM_001164664.2 (MANE Select); coding-DNA position 7110, A replaced by G.
Protein change: p.Glu2370=; no amino-acid change (glutamic acid 2370 retained).
Molecular consequence: synonymous variant.
Genome position (GRCh38, 1-based): chr5:67,166,289, A>G. VCF-style: chr5-67166289-A-G. GRCh37 (hg19) VCF-style: chr5-66462117-A-G.
Other names: c.6492A>G, p.Glu2164= (NM_001290226.2); c.6327A>G, p.Glu2109= (NM_001290227.2, NM_001393527.1); c.6528A>G, p.Glu2176= (NM_001297651.2); c.7119A>G, p.Glu2373= (NM_001393524.1); c.6909A>G, p.Glu2303= (NM_001393525.1); c.6342A>G, p.Glu2114= (NM_001393526.1); c.6306A>G, p.Glu2102= (NM_001393528.1); c.6543A>G, p.Glu2181= (NM_015183.3).
Identifiers: ClinVar variation 2655501 (VCV002655501.24), dbSNP rs535610861, ClinGen allele CA3289269.